The following is an entry in ClinVar:

ClinVar aggregate classification (germline): Uncertain significance (1 of 4 stars; one submission).

Allele frequency attached by ClinVar (database versions not stated): gnomAD 0.00003 and 0.00004; TOPMed 0.00008.
gnomAD v4.1: 16 of 1,551,942 alleles (0.001%); highest among the groups gnomAD compares: Admixed American, 0.018%; no homozygotes.

Submission:

Labcorp Genetics (formerly Invitae), Labcorp
Classification: Uncertain significance. Last evaluated: 2022-09-01. Review status: criteria provided, single submitter. Criteria: Invitae Variant Classification Sherloc (09022015). Collection method: clinical testing. Allele origin: germline.
Comment: In summary, the available evidence is currently insufficient to determine the role of this variant in disease. Therefore, it has been classified as a Variant of Uncertain Significance. Algorithms developed to predict the effect of missense changes on protein structure and function (SIFT, PolyPhen-2, Align-GVGD) all suggest that this variant is likely to be disruptive. ClinVar contains an entry for this variant (Variation ID: 844510). This variant has not been reported in the literature in individuals affected with DTHD1-related conditions. This variant is not present in population databases (gnomAD no frequency). This sequence change replaces glutamic acid, which is acidic and polar, with lysine, which is basic and polar, at codon 439 of the DTHD1 protein (p.Glu439Lys).

NM_001170700.3(DTHD1):c.2185G>A (p.Glu729Lys)

Gene: DTHD1 (death domain containing 1; plus strand). Cytogenetic location: 4p14.
Variant type: single nucleotide variant.
Coding change: c.2185G>A on transcript NM_001170700.3 (MANE Select); coding-DNA position 2185, G replaced by A.
Protein change: p.Glu729Lys; replaces glutamic acid 729 with lysine.
Molecular consequence: missense variant. On other transcripts: non-coding transcript variant (2).
Genome position (GRCh38, 1-based): chr4:36,316,331, G>A. VCF-style: chr4-36316331-G-A. GRCh37 (hg19) VCF-style: chr4-36317953-G-A.
Other names: c.1315G>A, p.Glu439Lys (NM_001136536.5); c.1252G>A, p.Glu418Lys (NM_001378435.1); short protein forms E439K, E418K, E729K.
Identifiers: ClinVar variation 844510 (VCV000844510.7), dbSNP rs1040447767, ClinGen allele CA356681500.